The following is an entry in ClinVar:

ClinVar aggregate classification (germline): Uncertain significance. Review status: criteria provided, multiple submitters, no conflicts (2 of 4 stars). 2 submissions from 2 submitters: Uncertain significance (2). Last evaluated 2026-01-28.

Allele frequency attached by ClinVar (database versions not stated): gnomAD exomes below 0.00001; gnomAD 0.00001; TOPMed 0.00001.

Submissions (2):

Labcorp Genetics (formerly Invitae), Labcorp
Classification: Uncertain significance. Last evaluated: 2026-01-28. Review status: criteria provided, single submitter. Criteria: Invitae Variant Classification Sherloc (09022015). Collection method: clinical testing. Allele origin: germline.
Comment: This sequence change replaces valine, which is neutral and non-polar, with methionine, which is neutral and non-polar, at codon 509 of the GALNT12 protein (p.Val509Met). The frequency data for this variant in the population databases is considered unreliable, as metrics indicate poor data quality at this position in the gnomAD database. This variant has not been reported in the literature in individuals affected with GALNT12-related conditions. ClinVar contains an entry for this variant (Variation ID: 948246). Invitae Evidence Modeling of protein sequence and biophysical properties (such as structural, functional, and spatial information, amino acid conservation, physicochemical variation, residue mobility, and thermodynamic stability) indicates that this missense variant is not expected to disrupt GALNT12 protein function with a negative predictive value of 80%. In summary, the available evidence is currently insufficient to determine the role of this variant in disease. Therefore, it has been classified as a Variant of Uncertain Significance.

Ambry Genetics
Classification: Uncertain significance. Last evaluated: 2024-11-01. Review status: criteria provided, single submitter. Criteria: Ambry Variant Classification Scheme 2023. Collection method: clinical testing. Allele origin: germline.
Comment: The p.V509M variant (also known as c.1525G>A), located in coding exon 9 of the GALNT12 gene, results from a G to A substitution at nucleotide position 1525. The valine at codon 509 is replaced by methionine, an amino acid with highly similar properties. This amino acid position is well conserved in available vertebrate species. In addition, this alteration is predicted to be tolerated by in silico analysis. The evidence for this gene-disease relationship is limited; therefore, the clinical significance of this alteration is unclear.

NM_024642.5(GALNT12):c.1525G>A (p.Val509Met)

Gene: GALNT12 (polypeptide N-acetylgalactosaminyltransferase 12; plus strand). Cytogenetic location: 9q22.33.
Variant type: single nucleotide variant.
Coding change: c.1525G>A on transcript NM_024642.5 (MANE Select); coding-DNA position 1525, G replaced by A.
Protein change: p.Val509Met; replaces valine 509 with methionine.
Molecular consequence: missense variant.
Genome position (GRCh38, 1-based): chr9:98,846,043, G>A. VCF-style: chr9-98846043-G-A. GRCh37 (hg19) VCF-style: chr9-101608325-G-A.
Other names: short protein forms V509M.
Identifiers: ClinVar variation 948246 (VCV000948246.13), dbSNP rs999070067, ClinGen allele CA196832630.